The following is an entry in ClinVar:

ClinVar aggregate classification (germline): Uncertain significance (1 of 4 stars; one submission).

Conditions:
Inborn genetic diseases. Identifiers: MedGen C0950123, MeSH D030342.

Submission:

Ambry Genetics
Classification: Uncertain significance for Inborn genetic diseases. Last evaluated: 2024-07-15. Review status: criteria provided, single submitter. Criteria: Ambry Variant Classification Scheme 2023. Collection method: clinical testing. Allele origin: germline.
Comment: The p.Y584N variant (also known as c.1750T>A), located in coding exon 18 of the ERCC2 gene, results from a T to A substitution at nucleotide position 1750. The tyrosine at codon 584 is replaced by asparagine, an amino acid with dissimilar properties. This amino acid position is conserved. In addition, this alteration is predicted to be deleterious by in silico analysis. Since supporting evidence is limited at this time, the clinical significance of this alteration remains unclear.

NM_000400.4(ERCC2):c.1750T>A (p.Tyr584Asn)

Gene: ERCC2 (ERCC excision repair 2, TFIIH core complex helicase subunit; minus strand). Cytogenetic location: 19q13.32.
Variant type: single nucleotide variant.
Coding change: c.1750T>A on transcript NM_000400.4 (MANE Select); coding-DNA position 1750, T replaced by A.
Protein change: p.Tyr584Asn; replaces tyrosine 584 with asparagine.
Molecular consequence: missense variant.
Genome position (GRCh38, 1-based): chr19:45,353,250, A>T on the plus strand (T>A on the coding strand, the complement: ERCC2 is on the minus strand). VCF-style: chr19-45353250-A-T. GRCh37 (hg19) VCF-style: chr19-45856508-A-T.
Other names: short protein forms Y584N.
Identifiers: ClinVar variation 1779394 (VCV001779394.3), dbSNP rs1219803956, ClinGen allele CA406364318.